The following is an entry in ClinVar:

ClinVar aggregate classification (germline): Likely pathogenic. Review status: criteria provided, multiple submitters, no conflicts (2 of 4 stars). 3 submissions from 3 submitters: Likely pathogenic (3). Last evaluated 2024-06-14.

Conditions:
Hereditary cancer-predisposing syndrome. Also called: Hereditary neoplastic syndrome; Tumor predisposition; Hereditary Cancer Syndrome; Neoplastic Syndromes, Hereditary. Identifiers: Orphanet 140162, MedGen C0027672, MeSH D009386, MONDO:0015356.
BAP1-related tumor predisposition syndrome (TPDS1). Also called: Tumor susceptibility linked to germline BAP1 mutations; COMMON Syndrome; TUMOR PREDISPOSITION SYNDROME 1; BAP1 tumor predisposition syndrome. Identifiers: Orphanet 289539, MedGen C3280492, MONDO:0013692, OMIM 614327.

Submissions (3):

Ambry Genetics
Classification: Likely pathogenic for Hereditary cancer-predisposing syndrome. Last evaluated: 2024-06-14. Review status: criteria provided, single submitter. Criteria: Ambry Variant Classification Scheme 2023. Collection method: clinical testing. Allele origin: germline.
Comment: The c.2056+1G>A intronic variant results from a G to A substitution one nucleotide after coding exon 16 of the BAP1 gene. This nucleotide position is highly conserved in available vertebrate species. In silico splice site analysis predicts that this alteration will weaken the native splice donor site. RNA studies have demonstrated that this alteration results in abnormal splicing in the set of samples tested (Ambry internal data). This alteration occurs at the 3' terminus of the BAP1 gene and is not expected to trigger nonsense-mediated mRNA decay, however a significant portion of the protein is affected and the impacted region is critical for protein function (Ambry internal data). Another alteration impacting the same donor site (c.2056+1G>C) has been detected in at least one individual with a personal and/or family history that is consistent with BAP1-associated disease (Ambry internal data). Based on the majority of available evidence to date, this variant is likely to be pathogenic.

Myriad Genetics, Inc.
Classification: Likely pathogenic for BAP1-related tumor predisposition syndrome. Last evaluated: 2024-05-29. Review status: criteria provided, single submitter. Criteria: Myriad Autosomal Dominant, Autosomal Recessive and X-Linked Classification Criteria (2023). Collection method: clinical testing. Allele origin: unknown.
Comment: This variant is considered likely pathogenic. This variant occurs within a consensus splice junction and is predicted to result in abnormal mRNA splicing of either an out-of-frame exon or an in-frame exon necessary for protein stability and/or normal function.

Labcorp Genetics (formerly Invitae), Labcorp
Classification: Likely pathogenic for BAP1-related tumor predisposition syndrome. Last evaluated: 2022-04-07. Review status: criteria provided, single submitter. Criteria: Invitae Variant Classification Sherloc (09022015). Collection method: clinical testing. Allele origin: germline.
Comment: This sequence change affects a donor splice site in intron 16 of the BAP1 gene. While this variant is not anticipated to result in nonsense mediated decay, it likely alters RNA splicing and results in a disrupted protein product. This variant is not present in population databases (gnomAD no frequency). Disruption of this splice site has been observed in individuals with clinical features of BAP1 tumor predisposition syndrome (Invitae). It has also been observed to segregate with disease in related individuals. Variants that disrupt the consensus splice site are a relatively common cause of aberrant splicing (PMID: 17576681, 9536098). Algorithms developed to predict the effect of sequence changes on RNA splicing suggest that this variant may disrupt the consensus splice site. In summary, the currently available evidence indicates that the variant is pathogenic, but additional data are needed to prove that conclusively. Therefore, this variant has been classified as Likely Pathogenic.

Literature cited by the submitters: PubMed 17576681 (cited by Labcorp Genetics (formerly Invitae), Labcorp); PubMed 9536098 (cited by Labcorp Genetics (formerly Invitae), Labcorp).

NM_004656.4(BAP1):c.2056+1G>A

Gene: BAP1 (BRCA1 associated deubiquitinase 1; minus strand). Cytogenetic location: 3p21.1.
Variant type: single nucleotide variant.
Coding change: c.2056+1G>A on transcript NM_004656.4 (MANE Select); the canonical splice donor site of the intron after coding-DNA position 2056, G replaced by A.
Molecular consequence: splice donor variant.
Genome position (GRCh38, 1-based): chr3:52,402,601, C>T on the plus strand (G>A on the coding strand, the complement: BAP1 is on the minus strand). VCF-style: chr3-52402601-C-T. GRCh37 (hg19) VCF-style: chr3-52436617-C-T.
Other names: c.2002+1G>A (NM_001410772.1); c.2056+1G>A (NM_004656.2).
Identifiers: ClinVar variation 1955063 (VCV001955063.7), dbSNP rs1578218644, ClinGen allele CA353096099.